The following is an entry in ClinVar:

ClinVar aggregate classification (germline): Pathogenic. Review status: criteria provided, single submitter (1 of 4 stars). 2 submissions from 1 submitter: Pathogenic (2). Last evaluated 2024-10-01.

Conditions:
Early-onset retinitis pigmentosa.
Retinitis pigmentosa (RP). Identifiers: Orphanet 791, MedGen C0035334, MeSH D012174, MONDO:0019200, OMIM 268000. Inheritance: Autosomal dominant, autosomal recessive and X linked inheritance.

Submissions (2):

Lab De Baere, Eye and Developmental Genetics Lab, Ghent University
Classification: Pathogenic for Retinitis pigmentosa. Last evaluated: 2024-10-01. Review status: criteria provided, single submitter. Criteria: ACMG Guidelines, 2015. Collection method: research. Allele origin: inherited. Affected: yes. Observed: 1 variant allele.
Comment: ACMG/AMP guidelines: PM2, PP4_PP, PVS1

Lab De Baere, Eye and Developmental Genetics Lab, Ghent University
Classification: Pathogenic for Early-onset retinitis pigmentosa. Last evaluated: 2024-10-01. Review status: criteria provided, single submitter. Criteria: ACMG Guidelines, 2015. Collection method: research. Allele origin: inherited. Affected: yes. Observed: 1 variant allele.
Comment: ACMG/AMP guidelines: PM2, PP4_PP, PVS1, PP1

NM_015629.4(PRPF31):c.1078del (p.Arg360fs)

Gene: PRPF31 (pre-mRNA processing factor 31; plus strand). Cytogenetic location: 19q13.42.
Variant type: Deletion.
Coding change: c.1078del on transcript NM_015629.4 (MANE Select); coding-DNA position 1078, one base deleted (C; older notation c.1078delC).
Protein change: p.Arg360fs; shifts the reading frame from arginine 360.
Molecular consequence: frameshift variant.
Genome position (GRCh38, 1-based): chr19:54,128,309, C deleted; the last of 2 consecutive C bases (chr19:54,128,308-54,128,309); deleting either gives the same sequence. VCF-style (leftmost placement, unchanged base first): chr19-54128307-AC-A. GRCh37 (hg19) VCF-style: chr19-54631682-AC-A.
Other names: short protein forms R360fs.
Identifiers: ClinVar variation 3544456 (VCV003544456.1).